The following is an entry in ClinVar:

ClinVar aggregate classification (germline): Benign. Review status: criteria provided, multiple submitters, no conflicts (2 of 4 stars). 2 submissions from 2 submitters: Benign (2). Last evaluated 2018-06-16.

Allele frequency attached by ClinVar (database versions not stated): 1000 Genomes Project 30x 0.10337; gnomAD 0.08789 and 0.09404; TOPMed 0.10572; 1000 Genomes Project 0.09964.
gnomAD v4.1: 12,970 of 148,882 alleles (8.7%); highest among the groups gnomAD compares: African/African-American, 30%; 1,898 homozygotes.

Submissions (2):

GeneDx
Classification: Benign. Last evaluated: 2018-06-16. Review status: criteria provided, single submitter. Criteria: GeneDx Variant Classification (06012015). Collection method: clinical testing. Allele origin: germline. Affected: yes.
Comment: This variant is considered likely benign or benign based on one or more of the following criteria: it is a conservative change, it occurs at a poorly conserved position in the protein, it is predicted to be benign by multiple in silico algorithms, and/or has population frequency not consistent with disease.

Breakthrough Genomics
Classification: Benign. Review status: criteria provided, single submitter. Criteria: ACMG Guidelines, 2015. Collection method: not provided. Allele origin: germline. Inheritance: Autosomal dominant inheritance. Affected: yes.

NM_001098512.3(PRKG1):c.267-79022C>T

Gene: PRKG1 (protein kinase cGMP-dependent 1; plus strand). Cytogenetic location: 10q11.23.
Variant type: single nucleotide variant.
Coding change: c.267-79022C>T on transcript NM_001098512.3; 79022 bases into the intron before coding-DNA position 267, C replaced by T.
Molecular consequence: intron variant.
Genome position (GRCh38, 1-based): chr10:51,074,142, C>T. VCF-style: chr10-51074142-C-T. GRCh37 (hg19) VCF-style: chr10-52833902-C-T.
Identifiers: ClinVar variation 683737 (VCV000683737.4), dbSNP rs12264657, ClinGen allele CA13290246.